The following is an entry in ClinVar:

ClinVar aggregate classification (germline): Uncertain significance (1 of 4 stars; one submission).

Allele frequency attached by ClinVar (database versions not stated): gnomAD exomes 0.00001; TOPMed 0.00004.
gnomAD v4.1: 8 of 1,614,206 alleles (0.0005%); highest among the groups gnomAD compares: Middle Eastern, 0.016%; no homozygotes.

Submission:

Labcorp Genetics (formerly Invitae), Labcorp
Classification: Uncertain significance. Last evaluated: 2022-08-10. Review status: criteria provided, single submitter. Criteria: Invitae Variant Classification Sherloc (09022015). Collection method: clinical testing. Allele origin: germline.
Comment: In summary, the available evidence is currently insufficient to determine the role of this variant in disease. Therefore, it has been classified as a Variant of Uncertain Significance. Algorithms developed to predict the effect of missense changes on protein structure and function are either unavailable or do not agree on the potential impact of this missense change (SIFT: "Deleterious"; PolyPhen-2: "Benign"; Align-GVGD: "Class C0"). This variant has not been reported in the literature in individuals affected with PITPNM3-related conditions. This variant is present in population databases (no rsID available, gnomAD 0.003%). This sequence change replaces serine, which is neutral and polar, with leucine, which is neutral and non-polar, at codon 794 of the PITPNM3 protein (p.Ser794Leu).

NM_031220.4(PITPNM3):c.2381C>T (p.Ser794Leu)

Gene: PITPNM3 (PITPNM family member 3; minus strand). Cytogenetic location: 17p13.2.
Variant type: single nucleotide variant.
Coding change: c.2381C>T on transcript NM_031220.4 (MANE Select); coding-DNA position 2381, C replaced by T.
Protein change: p.Ser794Leu; replaces serine 794 with leucine.
Molecular consequence: missense variant.
Genome position (GRCh38, 1-based): chr17:6,461,482, G>A on the plus strand (C>T on the coding strand, the complement: PITPNM3 is on the minus strand). VCF-style: chr17-6461482-G-A. GRCh37 (hg19) VCF-style: chr17-6364802-G-A.
Other names: c.2273C>T, p.Ser758Leu (NM_001165966.2); short protein forms S758L, S794L.
Identifiers: ClinVar variation 1927439 (VCV001927439.5), dbSNP rs1354990286, ClinGen allele CA397402103.